The following is an entry in ClinVar:

NM_021813.4(BACH2):c.*7G>A

Gene: BACH2 (BACH transcriptional regulator 2; minus strand). Cytogenetic location: 6q15.
Variant type: single nucleotide variant.
Coding change: c.*7G>A on transcript NM_021813.4 (MANE Select); 7 bases downstream of the stop codon, G replaced by A.
Molecular consequence: 3 prime UTR variant.
Genome position (GRCh38, 1-based): chr6:89,932,401, C>T on the plus strand (G>A on the coding strand, the complement: BACH2 is on the minus strand). VCF-style: chr6-89932401-C-T. GRCh37 (hg19) VCF-style: chr6-90642120-C-T.
Other names: c.*7G>A (NM_001170794.2).
Identifiers: ClinVar variation 3040348 (VCV003040348.3), dbSNP rs369688322, ClinGen allele CA3927771.

ClinVar aggregate classification (germline): Likely benign. Review status: criteria provided, single submitter (1 of 4 stars). 2 submissions from 2 submitters: Likely benign (1). 1 of the submissions does not count toward it. Last evaluated 2025-10-06.

Conditions:
BACH2-related disorder. Also called: BACH2-related condition.

Allele frequency attached by ClinVar (database versions not stated): ExAC 0.00013; 1000 Genomes Project 30x 0.00031; ESP Exome Variant Server 0.00031; TOPMed 0.00037; 1000 Genomes Project 0.00020; gnomAD 0.00032.
gnomAD v4.1: 104 of 1,603,006 alleles (0.0065%); highest among the groups gnomAD compares: African/African-American, 0.075%; no homozygotes.

Submissions (2):

Mayo Clinic Laboratories, Mayo Clinic
Classification: Likely benign. Last evaluated: 2025-10-06. Review status: criteria provided, single submitter. Criteria: ACMG Guidelines, 2015. Collection method: clinical testing. Allele origin: germline. Observed: 1 variant allele.
Comment: BP4, BP7

PreventionGenetics, part of Exact Sciences
Classification: Likely benign for BACH2-related condition. Last evaluated: 2019-09-18. Review status: no assertion criteria provided. Collection method: clinical testing. Allele origin: germline. Not counted in ClinVar's aggregate classification.
Comment: This variant is classified as likely benign based on ACMG/AMP sequence variant interpretation guidelines (Richards et al. 2015 PMID: 25741868, with internal and published modifications).